The following is an entry in ClinVar:

ClinVar aggregate classification (germline): Uncertain significance. Review status: criteria provided, multiple submitters, no conflicts (2 of 4 stars). 2 submissions from 2 submitters: Uncertain significance (2). Last evaluated 2025-08-07.

Conditions:
Charcot-Marie-Tooth disease type 2E (CMT2E). Also called: CHARCOT-MARIE-TOOTH NEUROPATHY, TYPE 2E; CHARCOT-MARIE-TOOTH DISEASE, AXONAL, TYPE 2E. Identifiers: Orphanet 99939, MedGen C1843225, MONDO:0011894, OMIM 607684.
Inborn genetic diseases. Identifiers: MedGen C0950123, MeSH D030342.

Allele frequency attached by ClinVar (database versions not stated): ExAC 0.00001; TOPMed 0.00002; gnomAD 0.00003; ESP Exome Variant Server 0.00008.
gnomAD v4.1: 48 of 1,613,310 alleles (0.003%); highest among the groups gnomAD compares: Non-Finnish European, 0.004%; no homozygotes.

Submissions (2):

Ambry Genetics
Classification: Uncertain significance for Inborn genetic diseases. Last evaluated: 2025-08-07. Review status: criteria provided, single submitter. Criteria: Ambry Variant Classification Scheme 2023. Collection method: clinical testing. Allele origin: germline.

Labcorp Genetics (formerly Invitae), Labcorp
Classification: Uncertain significance for Charcot-Marie-Tooth disease type 2E. Last evaluated: 2023-12-05. Review status: criteria provided, single submitter. Criteria: Invitae Variant Classification Sherloc (09022015). Collection method: clinical testing. Allele origin: germline.
Comment: This sequence change replaces proline, which is neutral and non-polar, with leucine, which is neutral and non-polar, at codon 252 of the NEFL protein (p.Pro252Leu). This variant is present in population databases (rs373569840, gnomAD 0.004%). This missense change has been observed in individual(s) with clinical features of NEFL-related conditions (Invitae). ClinVar contains an entry for this variant (Variation ID: 569117). Advanced modeling of protein sequence and biophysical properties (such as structural, functional, and spatial information, amino acid conservation, physicochemical variation, residue mobility, and thermodynamic stability) performed at Invitae indicates that this missense variant is expected to disrupt NEFL protein function with a positive predictive value of 80%. In summary, the available evidence is currently insufficient to determine the role of this variant in disease. Therefore, it has been classified as a Variant of Uncertain Significance.

NM_006158.5(NEFL):c.755C>T (p.Pro252Leu)

Gene: NEFL (neurofilament light chain; minus strand). Cytogenetic location: 8p21.2.
Variant type: single nucleotide variant.
Coding change: c.755C>T on transcript NM_006158.5 (MANE Select); coding-DNA position 755, C replaced by T.
Protein change: p.Pro252Leu; replaces proline 252 with leucine.
Molecular consequence: missense variant.
Genome position (GRCh38, 1-based): chr8:24,955,761, G>A on the plus strand (C>T on the coding strand, the complement: NEFL is on the minus strand). VCF-style: chr8-24955761-G-A. GRCh37 (hg19) VCF-style: chr8-24813275-G-A.
Other names: short protein forms P252L.
Identifiers: ClinVar variation 569117 (VCV000569117.10), dbSNP rs373569840, ClinGen allele CA4681444.